The following is an entry in ClinVar:

ClinVar aggregate classification (germline): Pathogenic (1 of 4 stars; one submission).

Conditions:
Cardiovascular phenotype. Identifiers: MedGen CN230736.
Hereditary cancer-predisposing syndrome. Also called: Tumor predisposition; Neoplastic Syndromes, Hereditary; Hereditary Cancer Syndrome; Hereditary neoplastic syndrome. Identifiers: Orphanet 140162, MedGen C0027672, MeSH D009386, MONDO:0015356.

Submission:

Ambry Genetics
Classification: Pathogenic for Cardiovascular phenotype; Hereditary cancer-predisposing syndrome. Last evaluated: 2025-01-31. Review status: criteria provided, single submitter. Criteria: Ambry Variant Classification Scheme 2023. Collection method: clinical testing. Allele origin: germline.
Comment: The c.2229_2232delTGTC pathogenic mutation, located in coding exon 18 of the NF1 gene, results from a deletion of 4 nucleotides at nucleotide positions 2229 to 2232, causing a translational frameshift with a predicted alternate stop codon (p.V744Afs*3). This variant was reported in individual(s) with features consistent with Neurofibromatosis type 1 (Ambry internal data). This variant is considered to be rare based on population cohorts in the Genome Aggregation Database (gnomAD). This alteration is expected to result in loss of function by premature protein truncation or nonsense-mediated mRNA decay. As such, this alteration is interpreted as a disease-causing mutation.

NM_001042492.3(NF1):c.2229_2232del (p.Val744fs)

Gene: NF1 (neurofibromin 1; plus strand). Cytogenetic location: 17q11.2.
Variant type: Deletion.
Coding change: c.2229_2232del on transcript NM_001042492.3 (MANE Select); coding-DNA positions 2229 to 2232, 4 bases deleted (TGTC; older notation c.2229_2232delTGTC).
Protein change: p.Val744fs; shifts the reading frame from valine 744.
Molecular consequence: frameshift variant.
Genome position (GRCh38, 1-based): chr17:31,226,662-31,226,665, TGTC deleted; deleting any 4 consecutive bases within chr17:31,226,660-31,226,665 gives the same sequence; the c. name uses the placement nearest the transcript's 3' end. VCF-style (leftmost placement, unchanged base first): chr17-31226659-CTCTG-C. GRCh37 (hg19) VCF-style: chr17-29553677-CTCTG-C.
Other names: c.2229_2232delTGTC (NM_000267.3); c.2229_2232delTGTC, p.Val744Alafs (NM_000267.4); short protein forms V744fs.
Identifiers: ClinVar variation 3879085 (VCV003879085.1).